The following is an entry in ClinVar:

ClinVar aggregate classification (germline): Uncertain significance (1 of 4 stars; one submission).

Allele frequency attached by ClinVar (database versions not stated): gnomAD 0.00001; TOPMed 0.00001.
gnomAD v4.1: 4 of 1,614,096 alleles (0.00025%); highest among the groups gnomAD compares: Non-Finnish European, 0.00025%; no homozygotes.

Submission:

Labcorp Genetics (formerly Invitae), Labcorp
Classification: Uncertain significance. Last evaluated: 2024-06-29. Review status: criteria provided, single submitter. Criteria: Invitae Variant Classification Sherloc (09022015). Collection method: clinical testing. Allele origin: germline.
Comment: This sequence change replaces valine, which is neutral and non-polar, with isoleucine, which is neutral and non-polar, at codon 327 of the PRPF6 protein (p.Val327Ile). This variant is not present in population databases (gnomAD no frequency). This variant has not been reported in the literature in individuals affected with PRPF6-related conditions. ClinVar contains an entry for this variant (Variation ID: 2037680). Advanced modeling of protein sequence and biophysical properties (such as structural, functional, and spatial information, amino acid conservation, physicochemical variation, residue mobility, and thermodynamic stability) performed at Invitae indicates that this missense variant is not expected to disrupt PRPF6 protein function with a negative predictive value of 80%. In summary, the available evidence is currently insufficient to determine the role of this variant in disease. Therefore, it has been classified as a Variant of Uncertain Significance.

NM_012469.4(PRPF6):c.979G>A (p.Val327Ile)

Gene: PRPF6 (pre-mRNA processing factor 6; plus strand). Cytogenetic location: 20q13.33.
Variant type: single nucleotide variant.
Coding change: c.979G>A on transcript NM_012469.4 (MANE Select); coding-DNA position 979, G replaced by A.
Protein change: p.Val327Ile; replaces valine 327 with isoleucine.
Molecular consequence: missense variant.
Genome position (GRCh38, 1-based): chr20:63,999,715, G>A. VCF-style: chr20-63999715-G-A. GRCh37 (hg19) VCF-style: chr20-62631068-G-A.
Other names: short protein forms V327I.
Identifiers: ClinVar variation 2037680 (VCV002037680.4), dbSNP rs1375738785, ClinGen allele CA409719427.